The following is an entry in ClinVar:

ClinVar aggregate classification (germline): Uncertain significance. Review status: criteria provided, multiple submitters, no conflicts (2 of 4 stars). 2 submissions from 2 submitters: Uncertain significance (2). Last evaluated 2022-12-20.

Conditions:
Inflammatory bowel disease 28. Also called: Inflammatory bowel disease 28, early onset, autosomal recessive. Identifiers: Orphanet 238569, MedGen C2751053, MONDO:0013153, OMIM 613148.

Submissions (2):

Center for Genomics, Ann and Robert H. Lurie Children's Hospital of Chicago
Classification: Uncertain significance for Inflammatory bowel disease 28. Last evaluated: 2022-12-20. Review status: criteria provided, single submitter. Criteria: ACMG Guidelines, 2015. Collection method: clinical testing. Allele origin: germline.
Comment: This variant has not been reported in the literature but is present in the Genome Aggregation Database (Highest reported MAF 0.009% [4/41472]). This variant is present in ClinVar (Variation ID: 1063620). This variant amino acid Serine (Ser) is present in several species including multiple mammals and is not well conserved among evolutionarily distant species; this suggests that this variant may not impact the protein. Additional computational prediction tools do not suggest an impact. In summary, data on this variant is insufficient for disease classification. Therefore, the clinical significance of this variant is uncertain.

Labcorp Genetics (formerly Invitae), Labcorp
Classification: Uncertain significance for Inflammatory bowel disease 28. Last evaluated: 2022-02-20. Review status: criteria provided, single submitter. Criteria: Invitae Variant Classification Sherloc (09022015). Collection method: clinical testing. Allele origin: germline.
Comment: This sequence change replaces alanine, which is neutral and non-polar, with serine, which is neutral and polar, at codon 440 of the IL10RA protein (p.Ala440Ser). The frequency data for this variant in the population databases is considered unreliable, as metrics indicate poor data quality at this position in the gnomAD database. This variant has not been reported in the literature in individuals affected with IL10RA-related conditions. ClinVar contains an entry for this variant (Variation ID: 1063620). Algorithms developed to predict the effect of missense changes on protein structure and function output the following: SIFT: "Tolerated"; PolyPhen-2: "Benign"; Align-GVGD: "Class C0". The serine amino acid residue is found in multiple mammalian species, which suggests that this missense change does not adversely affect protein function. In summary, the available evidence is currently insufficient to determine the role of this variant in disease. Therefore, it has been classified as a Variant of Uncertain Significance.

NM_001558.4(IL10RA):c.1318G>T (p.Ala440Ser)

Gene: IL10RA (interleukin 10 receptor subunit alpha; plus strand). Cytogenetic location: 11q23.3.
Variant type: single nucleotide variant.
Coding change: c.1318G>T on transcript NM_001558.4 (MANE Select); coding-DNA position 1318, G replaced by T.
Protein change: p.Ala440Ser; replaces alanine 440 with serine.
Molecular consequence: missense variant. On other transcripts: non-coding transcript variant (1).
Genome position (GRCh38, 1-based): chr11:117,999,222, G>T. VCF-style: chr11-117999222-G-T. GRCh37 (hg19) VCF-style: chr11-117869937-G-T.
Other names: short protein forms A440S.
Identifiers: ClinVar variation 1063620 (VCV001063620.6), dbSNP rs779845571, ClinGen allele CA6299168.